The following is an entry in ClinVar:

NM_000528.4(MAN2B1):c.2701C>A (p.His901Asn)

Genes: MAN2B1 (mannosidase alpha class 2B member 1; minus strand), LOC130063648 (ATAC-STARR-seq lymphoblastoid active region 14063; plus strand). Cytogenetic location: 19p13.13.
Variant type: single nucleotide variant.
Coding change: c.2701C>A on transcript NM_000528.4 (MANE Select); coding-DNA position 2701, C replaced by A.
Protein change: p.His901Asn; replaces histidine 901 with asparagine.
Molecular consequence: missense variant.
Genome position (GRCh38, 1-based): chr19:12,647,562, G>T on the plus strand (C>A on the coding strand, the complement: MAN2B1 is on the minus strand). VCF-style: chr19-12647562-G-T. GRCh37 (hg19) VCF-style: chr19-12758376-G-T.
Other names: c.2698C>A, p.His900Asn (NM_001173498.2); short protein forms H901N, H900N.
Identifiers: ClinVar variation 328255 (VCV000328255.20), dbSNP rs200033151, ClinGen allele CA9225942.

ClinVar aggregate classification (germline): Uncertain significance. Review status: criteria provided, multiple submitters, no conflicts (2 of 4 stars). 8 submissions from 8 submitters: Uncertain significance (8). Last evaluated 2026-10-01.

Conditions:
Deficiency of alpha-mannosidase (MANSA). Also called: Mannosidosis, alpha-, types I and II; LYSOSOMAL ALPHA-D-MANNOSIDASE DEFICIENCY; Alpha-Mannosidosis. Identifiers: Orphanet 61, MedGen C0024748, MONDO:0009561, OMIM 248500.
MAN2B1-related disorder. Also called: MAN2B1-related condition.
Inborn genetic diseases. Identifiers: MedGen C0950123, MeSH D030342.

Allele frequency attached by ClinVar (database versions not stated): ExAC 0.00014; gnomAD exomes 0.00020 and 0.00044; ESP Exome Variant Server 0.00031; gnomAD 0.00031 and 0.00034; TOPMed 0.00039.
gnomAD v4.1: 719 of 1,613,984 alleles (0.045%); highest among the groups gnomAD compares: Non-Finnish European, 0.056%; no homozygotes.

Submissions (8):

CeGaT Center for Human Genetics Tuebingen
Classification: Uncertain significance. Last evaluated: 2026-10-01. Review status: criteria provided, single submitter. Criteria: CeGaT Center For Human Genetics Tuebingen Variant Classification Criteria Version 2. Collection method: clinical testing. Allele origin: germline. Affected: yes. Observed: 2 variant alleles.
Comment: MAN2B1: PM2

GeneDx
Classification: Uncertain significance. Last evaluated: 2026-08-27. Review status: criteria provided, single submitter. Criteria: GeneDx Variant Classification Process June 2021. Collection method: clinical testing. Allele origin: germline.
Comment: In silico analysis supports that this missense variant has a deleterious effect on protein structure/function; Has not been previously published as pathogenic or benign to our knowledge

PreventionGenetics, part of Exact Sciences
Classification: Uncertain significance for MAN2B1-related condition. Last evaluated: 2026-04-11. Review status: criteria provided, single submitter. Criteria: ACMG Guidelines, 2015. Collection method: clinical testing. Allele origin: germline.
Comment: The MAN2B1 c.2701C>A variant is predicted to result in the amino acid substitution p.His901Asn. To our knowledge, this variant has not been reported in the literature. This variant is reported in 0.045% of alleles in individuals of European (Non-Finnish) descent in gnomAD. At this time, the clinical significance of this variant is uncertain due to the absence of conclusive functional and genetic evidence.

Labcorp Genetics (formerly Invitae), Labcorp
Classification: Uncertain significance for Deficiency of alpha-mannosidase. Last evaluated: 2022-10-15. Review status: criteria provided, single submitter. Criteria: Invitae Variant Classification Sherloc (09022015). Collection method: clinical testing. Allele origin: germline.
Comment: This sequence change replaces histidine, which is basic and polar, with asparagine, which is neutral and polar, at codon 901 of the MAN2B1 protein (p.His901Asn). This variant is present in population databases (rs200033151, gnomAD 0.04%). This variant has not been reported in the literature in individuals affected with MAN2B1-related conditions. ClinVar contains an entry for this variant (Variation ID: 328255). Advanced modeling of protein sequence and biophysical properties (such as structural, functional, and spatial information, amino acid conservation, physicochemical variation, residue mobility, and thermodynamic stability) has been performed at Invitae for this missense variant, however the output from this modeling did not meet the statistical confidence thresholds required to predict the impact of this variant on MAN2B1 protein function. In summary, the available evidence is currently insufficient to determine the role of this variant in disease. Therefore, it has been classified as a Variant of Uncertain Significance.

Genome-Nilou Lab
Classification: Uncertain significance for Deficiency of alpha-mannosidase. Last evaluated: 2021-09-05. Review status: criteria provided, single submitter. Criteria: ACMG Guidelines, 2015. Collection method: clinical testing. Allele origin: germline. Affected: no.

Ambry Genetics
Classification: Uncertain significance for Inborn genetic diseases. Last evaluated: 2021-07-13. Review status: criteria provided, single submitter. Criteria: Ambry Variant Classification Scheme 2023. Collection method: clinical testing. Allele origin: germline.

Baylor Genetics
Classification: Uncertain significance for Deficiency of alpha-mannosidase. Last evaluated: 2019-07-20. Review status: criteria provided, single submitter. Criteria: ACMG Guidelines, 2015. Collection method: clinical testing. Allele origin: unknown. Affected: yes.
Comment: This variant was determined to be of uncertain significance according to ACMG Guidelines, 2015 [PMID:25741868].

Illumina Laboratory Services, Illumina
Classification: Uncertain significance for Deficiency of alpha-mannosidase. Last evaluated: 2018-01-13. Review status: criteria provided, single submitter. Criteria: ICSL Variant Classification Criteria 13 December 2019. Collection method: clinical testing. Allele origin: germline.